The following is an entry in ClinVar:

NM_004369.4(COL6A3):c.5166C>T (p.Gly1722=)

Gene: COL6A3 (collagen type VI alpha 3 chain; minus strand). Cytogenetic location: 2q37.3.
Variant type: single nucleotide variant.
Coding change: c.5166C>T on transcript NM_004369.4 (MANE Select); coding-DNA position 5166, C replaced by T.
Protein change: p.Gly1722=; no amino-acid change (glycine 1722 retained).
Molecular consequence: synonymous variant.
Genome position (GRCh38, 1-based): chr2:237,367,021, G>A on the plus strand (C>T on the coding strand, the complement: COL6A3 is on the minus strand). VCF-style: chr2-237367021-G-A. GRCh37 (hg19) VCF-style: chr2-238275664-G-A.
Other names: c.3345C>T, p.Gly1115= (NM_057166.5); c.4548C>T, p.Gly1516= (NM_057167.4).
Identifiers: ClinVar variation 2133797 (VCV002133797.4), dbSNP rs2077570926, ClinGen allele CA431710796.

ClinVar aggregate classification (germline): Uncertain significance (1 of 4 stars; one submission).

Conditions:
Bethlem myopathy 1A. Also called: Bethlem Muscular Dystrophy; Bethlem myopathy 1; MYOPATHY, BENIGN CONGENITAL, WITH CONTRACTURES. Identifiers: Orphanet 610, MedGen CN029274, MONDO:0024530, OMIM 158810.

Allele frequency attached by ClinVar (database versions not stated): gnomAD 0.00001; TOPMed 0.00001.
gnomAD v4.1: 1 of 1,614,100 alleles (0.000062%); highest among the groups gnomAD compares: African/African-American, 0.0013%; no homozygotes.

Submission:

Labcorp Genetics (formerly Invitae), Labcorp
Classification: Uncertain significance for Bethlem myopathy 1A. Last evaluated: 2022-05-04. Review status: criteria provided, single submitter. Criteria: Invitae Variant Classification Sherloc (09022015). Collection method: clinical testing. Allele origin: germline.
Comment: In summary, the available evidence is currently insufficient to determine the role of this variant in disease. Therefore, it has been classified as a Variant of Uncertain Significance. Algorithms developed to predict the effect of sequence changes on RNA splicing suggest that this variant may create or strengthen a splice site. This variant has not been reported in the literature in individuals affected with COL6A3-related conditions. This variant is not present in population databases (gnomAD no frequency). This sequence change affects codon 1722 of the COL6A3 mRNA. It is a 'silent' change, meaning that it does not change the encoded amino acid sequence of the COL6A3 protein.